The following is an entry in ClinVar:

NM_004415.4(DSP):c.2324A>G (p.Gln775Arg)

Gene: DSP (desmoplakin; plus strand). Cytogenetic location: 6p24.3.
Variant type: single nucleotide variant.
Coding change: c.2324A>G on transcript NM_004415.4 (MANE Select); coding-DNA position 2324, A replaced by G.
Protein change: p.Gln775Arg; replaces glutamine 775 with arginine.
Molecular consequence: missense variant.
Genome position (GRCh38, 1-based): chr6:7,574,683, A>G. VCF-style: chr6-7574683-A-G. GRCh37 (hg19) VCF-style: chr6-7574916-A-G.
Other names: c.2324A>G, p.Gln775Arg (NM_001008844.3, NM_001319034.2); short protein forms Q775R.
Identifiers: ClinVar variation 4756887 (VCV004756887.1).

ClinVar aggregate classification (germline): Uncertain significance (1 of 4 stars; one submission).

Conditions:
Cardiomyopathy (CMYO). Also called: Cardiomyopathies. Identifiers: Orphanet 167848, MedGen C0878544, MONDO:0004994, HP:0001638. Inheritance: Various modes of inheritance.

Submission:

Color Diagnostics, LLC DBA Color Health
Classification: Uncertain significance for Cardiomyopathy. Last evaluated: 2025-06-23. Review status: criteria provided, single submitter. Criteria: ACMG Guidelines, 2015. Collection method: clinical testing. Allele origin: germline.
Comment: This missense variant replaces glutamine with arginine at codon 775 of the DSP protein. Computational prediction suggests that this variant may not impact protein structure and function. To our knowledge, functional studies have not been reported for this variant. This variant has not been reported in individuals affected with DSP-related disorders in the literature. This variant has not been identified in the general population by the Genome Aggregation Database (gnomAD). The available evidence is insufficient to determine the role of this variant in disease conclusively. Therefore, this variant is classified as a Variant of Uncertain Significance.